The following is an entry in ClinVar:

NM_153026.3(PRICKLE1):c.1176T>C (p.Phe392=)

Genes: PRICKLE1 (prickle planar cell polarity protein 1; minus strand), LOC126861509 (BRD4-independent group 4 enhancer GRCh37_chr12:42858567-42859766; plus strand). Cytogenetic location: 12q12.
Variant type: single nucleotide variant.
Coding change: c.1176T>C on transcript NM_153026.3 (MANE Select); coding-DNA position 1176, T replaced by C.
Protein change: p.Phe392=; no amino-acid change (phenylalanine 392 retained).
Molecular consequence: synonymous variant.
Genome position (GRCh38, 1-based): chr12:42,464,858, A>G on the plus strand (T>C on the coding strand, the complement: PRICKLE1 is on the minus strand). VCF-style: chr12-42464858-A-G. GRCh37 (hg19) VCF-style: chr12-42858660-A-G.
Other names: c.1176T>C, p.Phe392= (NM_001144881.2, NM_001144882.2, NM_001144883.2).
Identifiers: ClinVar variation 378422 (VCV000378422.18), dbSNP rs571386763, ClinGen allele CA6519790.

ClinVar aggregate classification (germline): Benign/Likely benign. Review status: criteria provided, multiple submitters, no conflicts (2 of 4 stars). 4 submissions from 4 submitters: Benign (3); Likely benign (1). Last evaluated 2025-12-30.

Conditions:
Epilepsy, progressive myoclonic, 1B. Also called: PME. Identifiers: Orphanet 308, MedGen C2676254, MONDO:0012904, OMIM 612437.

Allele frequency attached by ClinVar (database versions not stated): gnomAD 0.00028 and 0.00001; gnomAD exomes 0.00055 and 0.00115; ExAC 0.00111; 1000 Genomes Project 0.00200; 1000 Genomes Project 30x 0.00203; TOPMed 0.00006.
gnomAD v4.1: 839 of 1,614,058 alleles (0.052%); highest among the groups gnomAD compares: South Asian, 0.88%; 15 homozygotes.

Submissions (4):

Labcorp Genetics (formerly Invitae), Labcorp
Classification: Benign for Epilepsy, progressive myoclonic, 1B. Last evaluated: 2025-12-30. Review status: criteria provided, single submitter. Criteria: Invitae Variant Classification Sherloc (09022015). Collection method: clinical testing. Allele origin: germline.

Ambry Genetics
Classification: Benign. Last evaluated: 2018-09-29. Review status: criteria provided, single submitter. Criteria: Ambry Variant Classification Scheme 2023. Collection method: clinical testing. Allele origin: germline.

Eurofins Ntd Llc (ga)
Classification: Benign. Last evaluated: 2017-08-23. Review status: criteria provided, single submitter. Criteria: EGL Classification Definitions 2015. Collection method: clinical testing. Allele origin: germline. Observed: 1 variant allele, 1 heterozygote.

GeneDx
Classification: Likely benign. Last evaluated: 2016-05-25. Review status: criteria provided, single submitter. Criteria: GeneDx Variant Classification (06012015). Collection method: clinical testing. Allele origin: germline. Affected: yes.
Comment: This variant is considered likely benign or benign based on one or more of the following criteria: it is a conservative change, it occurs at a poorly conserved position in the protein, it is predicted to be benign by multiple in silico algorithms, and/or has population frequency not consistent with disease.